The following is an entry in ClinVar:

NM_003376.6(VEGFA):c.294A>G (p.Glu98=)

Gene: VEGFA (vascular endothelial growth factor A; plus strand). Cytogenetic location: 6p21.1.
Variant type: single nucleotide variant.
Coding change: c.294A>G on transcript NM_003376.6 (MANE Select); coding-DNA position 294, A replaced by G.
Protein change: p.Glu98=; no amino-acid change (glutamic acid 98 retained).
Molecular consequence: synonymous variant. On other transcripts: 5 prime UTR variant (10).
Genome position (GRCh38, 1-based): chr6:43,771,000, A>G. VCF-style: chr6-43771000-A-G. GRCh37 (hg19) VCF-style: chr6-43738737-A-G.
Other names: c.294A>G, p.Glu98= (NM_001025366.3, NM_001025367.3, NM_001025368.3 and 5 more transcripts); c.-247A>G (NM_001171623.2, NM_001171624.2, NM_001171625.2 and 7 more transcripts).
Identifiers: ClinVar variation 740991 (VCV000740991.7), dbSNP rs1303508016, ClinGen allele CA450386004.

ClinVar aggregate classification (germline): Likely benign. Review status: criteria provided, single submitter (1 of 4 stars). 2 submissions from 2 submitters: Likely benign (1). 1 of the submissions does not count toward it. Last evaluated 2018-04-18.

Conditions:
VEGFA-related disorder. Also called: VEGFA-related condition.

Allele frequency attached by ClinVar (database versions not stated): gnomAD exomes 0.00001.
gnomAD v4.1: 21 of 1,540,926 alleles (0.0014%); highest among the groups gnomAD compares: African/African-American, 0.0084%; no homozygotes.

Submissions (2):

Labcorp Genetics (formerly Invitae), Labcorp
Classification: Likely benign. Last evaluated: 2018-04-18. Review status: criteria provided, single submitter. Criteria: Invitae Variant Classification Sherloc (09022015). Collection method: clinical testing. Allele origin: germline.

PreventionGenetics, part of Exact Sciences
Classification: Likely benign for VEGFA-related condition. Last evaluated: 2019-07-01. Review status: no assertion criteria provided. Collection method: clinical testing. Allele origin: germline. Not counted in ClinVar's aggregate classification.
Comment: This variant is classified as likely benign based on ACMG/AMP sequence variant interpretation guidelines (Richards et al. 2015 PMID: 25741868, with internal and published modifications).